The following is an entry in ClinVar:

NM_003931.3(WASF1):c.839C>T (p.Pro280Leu)

Gene: WASF1 (WASP family member 1; minus strand). Cytogenetic location: 6q21.
Variant type: single nucleotide variant.
Coding change: c.839C>T on transcript NM_003931.3 (MANE Select); coding-DNA position 839, C replaced by T.
Protein change: p.Pro280Leu; replaces proline 280 with leucine.
Molecular consequence: missense variant.
Genome position (GRCh38, 1-based): chr6:110,103,432, G>A on the plus strand (C>T on the coding strand, the complement: WASF1 is on the minus strand). VCF-style: chr6-110103432-G-A. GRCh37 (hg19) VCF-style: chr6-110424635-G-A.
Other names: c.839C>T, p.Pro280Leu (NM_001024934.2, NM_001024935.2, NM_001024936.2); short protein forms P280L.
Identifiers: ClinVar variation 2442750 (VCV002442750.3), dbSNP rs1338500564, ClinGen allele CA365350387.
Genomic context (GRCh38, chr6:110,103,432, plus strand): 5'-ACATACCTGATACAGGTGGGTATCGGTTTTGCATCTCCTGCTCCATGCATTGGTGGAGGT[G>A]GAGGTGGTTCATGTGGTCTGACTAATACCCTTTCCTCAGCTCTAGTCAGAAGCTCACTCA-3'
Protein context (NP_003922.1, residues 270-290): RVLVRPHEPP[Pro280Leu]PPPMHGAGDA

ClinVar aggregate classification (germline): Uncertain significance. Review status: criteria provided, multiple submitters, no conflicts (2 of 4 stars). 2 submissions from 2 submitters: Uncertain significance (2). Last evaluated 2025-07-14.

Conditions:
WASF1-related disorder. Also called: WASF1-related condition.

Allele frequency attached by ClinVar (database versions not stated): TOPMed below 0.00001; gnomAD 0.00001.
gnomAD v4.1: 1 of 1,613,898 alleles (0.000062%); highest among the groups gnomAD compares: Non-Finnish European, 0.000085%; no homozygotes.

Submissions (2):

PreventionGenetics, part of Exact Sciences
Classification: Uncertain significance for WASF1-related condition. Last evaluated: 2025-07-14. Review status: criteria provided, single submitter. Criteria: ACMG Guidelines, 2015. Collection method: clinical testing. Allele origin: germline.
Comment: The WASF1 c.839C>T variant is predicted to result in the amino acid substitution p.Pro280Leu. To our knowledge, this variant has not been reported in the literature. This variant is reported in 0.0065% of alleles in individuals of European (Non-Finnish) descent in gnomAD. At this time, the clinical significance of this variant is uncertain due to the absence of conclusive functional and genetic evidence.

GeneDx
Classification: Uncertain significance. Last evaluated: 2022-08-31. Review status: criteria provided, single submitter. Criteria: GeneDx Variant Classification Process June 2021. Collection method: clinical testing. Allele origin: germline. Affected: yes.
Comment: In silico analysis supports that this missense variant has a deleterious effect on protein structure/function; Has not been previously published as pathogenic or benign to our knowledge